The following is an entry in ClinVar:

NM_018706.7(DHTKD1):c.876C>T (p.Ala292=)

Gene: DHTKD1 (dehydrogenase E1 and transketolase domain containing 1; plus strand). Cytogenetic location: 10p14.
Variant type: single nucleotide variant.
Coding change: c.876C>T on transcript NM_018706.7 (MANE Select); coding-DNA position 876, C replaced by T.
Protein change: p.Ala292=; no amino-acid change (alanine 292 retained).
Molecular consequence: synonymous variant.
Genome position (GRCh38, 1-based): chr10:12,089,144, C>T. VCF-style: chr10-12089144-C-T. GRCh37 (hg19) VCF-style: chr10-12131143-C-T.
Other names: c.876C>T (NM_018706.6).
Identifiers: ClinVar variation 810965 (VCV000810965.17), dbSNP rs556079764, ClinGen allele CA5407670.

ClinVar aggregate classification (germline): Likely benign. Review status: criteria provided, multiple submitters, no conflicts (2 of 4 stars). 3 submissions from 3 submitters: Likely benign (2). 1 of the submissions does not count toward it. Last evaluated 2025-12-02.

Conditions:
DHTKD1-related disorder. Also called: DHTKD1-related condition.
2-aminoadipic 2-oxoadipic aciduria (AAKAD). Also called: Aminoadipic aciduria; ALPHA-AMINOADIPIC AND ALPHA-KETOADIPIC ACIDURIA. Identifiers: Orphanet 79154, MedGen C1859817, MONDO:0008774, OMIM 204750.

Allele frequency attached by ClinVar (database versions not stated): ExAC 0.00002; gnomAD 0.00004 and 0.00005; gnomAD exomes 0.00004 and 0.00005; TOPMed 0.00005; 1000 Genomes Project 30x 0.00016; 1000 Genomes Project 0.00020.
gnomAD v4.1: 77 of 1,614,158 alleles (0.0048%); highest among the groups gnomAD compares: Middle Eastern, 0.016%; no homozygotes.

Submissions (3):

Labcorp Genetics (formerly Invitae), Labcorp
Classification: Likely benign for 2-aminoadipic 2-oxoadipic aciduria. Last evaluated: 2025-12-02. Review status: criteria provided, single submitter. Criteria: Invitae Variant Classification Sherloc (09022015). Collection method: clinical testing. Allele origin: germline.

ARUP Laboratories, Molecular Genetics and Genomics, ARUP Laboratories
Classification: Likely benign. Last evaluated: 2019-05-02. Review status: criteria provided, single submitter. Criteria: ARUP Molecular Germline Variant Investigation Process. Collection method: clinical testing. Allele origin: germline.

PreventionGenetics, part of Exact Sciences
Classification: Likely benign for DHTKD1-related condition. Last evaluated: 2019-07-10. Review status: no assertion criteria provided. Collection method: clinical testing. Allele origin: germline. Not counted in ClinVar's aggregate classification.
Comment: This variant is classified as likely benign based on ACMG/AMP sequence variant interpretation guidelines (Richards et al. 2015 PMID: 25741868, with internal and published modifications).